The following is an entry in ClinVar:

NM_018946.4(NANS):c.622C>G (p.Pro208Ala)

Genes: NANS (N-acetylneuraminate synthase; plus strand), TRIM14 (tripartite motif containing 14; minus strand). Cytogenetic location: 9q22.33.
Variant type: single nucleotide variant.
Coding change: c.622C>G on transcript NM_018946.4 (MANE Select); coding-DNA position 622, C replaced by G.
Protein change: p.Pro208Ala; replaces proline 208 with alanine.
Molecular consequence: missense variant.
Genome position (GRCh38, 1-based): chr9:98,080,834, C>G. VCF-style: chr9-98080834-C-G. GRCh37 (hg19) VCF-style: chr9-100843116-C-G.
Other names: short protein forms P208A.
Identifiers: ClinVar variation 1936534 (VCV001936534.4), dbSNP rs1245754029, ClinGen allele CA374200803.

ClinVar aggregate classification (germline): Uncertain significance (1 of 4 stars; one submission).

Allele frequency attached by ClinVar (database versions not stated): gnomAD exomes below 0.00001; TOPMed 0.00002.
gnomAD v4.1: 1 of 1,585,362 alleles (0.000063%); highest among the groups gnomAD compares: Admixed American, 0.0018%; no homozygotes.

Submission:

Labcorp Genetics (formerly Invitae), Labcorp
Classification: Uncertain significance. Last evaluated: 2024-10-12. Review status: criteria provided, single submitter. Criteria: Invitae Variant Classification Sherloc (09022015). Collection method: clinical testing. Allele origin: germline.
Comment: This sequence change replaces proline, which is neutral and non-polar, with alanine, which is neutral and non-polar, at codon 208 of the NANS protein (p.Pro208Ala). This variant is present in population databases (no rsID available, gnomAD 0.003%). This variant has not been reported in the literature in individuals affected with NANS-related conditions. ClinVar contains an entry for this variant (Variation ID: 1936534). An algorithm developed to predict the effect of missense changes on protein structure and function (PolyPhen-2) suggests that this variant is likely to be disruptive. In summary, the available evidence is currently insufficient to determine the role of this variant in disease. Therefore, it has been classified as a Variant of Uncertain Significance.